The following is an entry in ClinVar:

NM_005476.7(GNE):c.1216_1222del (p.Thr406fs)

Gene: GNE (glucosamine (UDP-N-acetyl)-2-epimerase/N-acetylmannosamine kinase; minus strand). Cytogenetic location: 9p13.3.
Variant type: Deletion.
Coding change: c.1216_1222del on transcript NM_005476.7 (MANE Select); coding-DNA positions 1216 to 1222, 7 bases deleted (ACTCTAA; older notation c.1216_1222delACTCTAA).
Protein change: p.Thr406fs; shifts the reading frame from threonine 406.
Molecular consequence: frameshift variant.
Genome position (GRCh38, 1-based): chr9:36,227,307-36,227,313, TTAGAGT deleted on the plus strand (ACTCTAA on the coding strand, the reverse complement: GNE is on the minus strand); deleting any 7 consecutive bases within chr9:36,227,307-36,227,315 gives the same sequence; the c. name uses the placement nearest the transcript's 3' end. VCF-style (leftmost placement, unchanged base first): chr9-36227306-CTTAGAGT-C. GRCh37 (hg19) VCF-style: chr9-36227303-CTTAGAGT-C.
Other names: c.1309_1315del, p.Thr437fs (NM_001128227.3); c.1216_1222del, p.Thr406fs (NM_001190383.3); c.886_892del, p.Thr296fs (NM_001190384.3); c.1039_1045del, p.Thr347fs (NM_001190388.2, NM_001374798.1); c.1063_1069del, p.Thr355fs (NM_001374797.1); short protein forms T296fs, T347fs, T355fs, T406fs, T437fs.
Identifiers: ClinVar variation 5015139 (VCV005015139.1).

ClinVar aggregate classification (germline): Pathogenic (1 of 4 stars; one submission).

Conditions:
GNE myopathy (NM). Also called: NONAKA DISTAL MYOPATHY; INCLUSION BODY MYOPATHY, HEREDITARY, AUTOSOMAL RECESSIVE; INCLUSION BODY MYOPATHY 2, AUTOSOMAL RECESSIVE; MYOPATHY, DISTAL, WITH OR WITHOUT RIMMED VACUOLES; IBM 2; Inclusion body myopathy autosomal recessive. Identifiers: Orphanet 602, MedGen C1853926, MONDO:0011603, OMIM 605820.

Submission:

Myriad Genetics, Inc.
Classification: Pathogenic for GNE myopathy. Last evaluated: 2025-10-25. Review status: criteria provided, single submitter. Criteria: Myriad Autosomal Dominant, Autosomal Recessive and X-Linked Classification Criteria (2023). Collection method: clinical testing. Allele origin: unknown.
Comment: NM_001128227.2(GNE):c.1309_1315del7(T437Vfs*16) is expected to be pathogenic in the context of GNE myopathy. This variant is predicted to lead to an abnormal or absent protein product due to the creation of a premature termination codon in GNE, a gene where loss-of-function variants are known to be pathogenic. Please note: this variant was assessed in the context of healthy population screening.